The following is an entry in ClinVar:

NM_015311.3(OBSL1):c.4610-6G>A

Gene: OBSL1 (obscurin like cytoskeletal adaptor 1; minus strand). Cytogenetic location: 2q35.
Variant type: single nucleotide variant.
Coding change: c.4610-6G>A on transcript NM_015311.3 (MANE Select); 6 bases into the intron before coding-DNA position 4610, G replaced by A.
Molecular consequence: intron variant.
Genome position (GRCh38, 1-based): chr2:219,554,746, C>T on the plus strand (G>A on the coding strand, the complement: OBSL1 is on the minus strand). VCF-style: chr2-219554746-C-T. GRCh37 (hg19) VCF-style: chr2-220419468-C-T.
Identifiers: ClinVar variation 895985 (VCV000895985.8), dbSNP rs373972208, ClinGen allele CA2130473.

ClinVar aggregate classification (germline): Uncertain significance. Review status: criteria provided, multiple submitters, no conflicts (2 of 4 stars). 2 submissions from 2 submitters: Uncertain significance (2). Last evaluated 2024-11-15.

Conditions:
3M syndrome 2. Also called: 3-M Syndrome, OBSL1-Related; THREE M SYNDROME 2. Identifiers: Orphanet 2616, MedGen C2752041, MONDO:0013039, OMIM 612921.

Allele frequency attached by ClinVar (database versions not stated): gnomAD exomes 0.00005; ExAC 0.00008; TOPMed 0.00008; ESP Exome Variant Server 0.00016.

Submissions (2):

Labcorp Genetics (formerly Invitae), Labcorp
Classification: Uncertain significance. Last evaluated: 2024-11-15. Review status: criteria provided, single submitter. Criteria: Invitae Variant Classification Sherloc (09022015). Collection method: clinical testing. Allele origin: germline.
Comment: This sequence change falls in intron 14 of the OBSL1 gene. It does not directly change the encoded amino acid sequence of the OBSL1 protein. This variant is present in population databases (rs373972208, gnomAD 0.01%). This variant has not been reported in the literature in individuals affected with OBSL1-related conditions. ClinVar contains an entry for this variant (Variation ID: 895985). Algorithms developed to predict the effect of sequence changes on RNA splicing suggest that this variant may disrupt the consensus splice site. In summary, the available evidence is currently insufficient to determine the role of this variant in disease. Therefore, it has been classified as a Variant of Uncertain Significance.

Illumina Laboratory Services, Illumina
Classification: Uncertain significance for 3M syndrome 2. Last evaluated: 2018-01-12. Review status: criteria provided, single submitter. Criteria: ICSL Variant Classification Criteria 13 December 2019. Collection method: clinical testing. Allele origin: germline.